The following is an entry in ClinVar:

NM_000257.4(MYH7):c.1801C>T (p.Leu601Phe)

Gene: MYH7 (myosin heavy chain 7; minus strand). Cytogenetic location: 14q11.2.
Variant type: single nucleotide variant.
Coding change: c.1801C>T on transcript NM_000257.4 (MANE Select); coding-DNA position 1801, C replaced by T.
Protein change: p.Leu601Phe; replaces leucine 601 with phenylalanine.
Molecular consequence: missense variant.
Genome position (GRCh38, 1-based): chr14:23,427,672, G>A on the plus strand (C>T on the coding strand, the complement: MYH7 is on the minus strand). VCF-style: chr14-23427672-G-A. GRCh37 (hg19) VCF-style: chr14-23896881-G-A.
Other names: short protein forms L601F.
Identifiers: ClinVar variation 574861 (VCV000574861.8), dbSNP rs1131691685, ClinGen allele CA389049785.
Genomic context (GRCh38, chr14:23,427,672, plus strand): 5'-ACAGGGTGCTGAGCAGCTTGAGGGAAGACTTCTGATACAAGCCCACGACAGTCTCATTGA[G>A]AGGATCCTTGTTCTTCTGCAGCCAGCCAATGATGTTGTAGTCCACGATGCCGGCATAGTG-3'
Protein context (NP_000248.2, residues 591-611): IGWLQKNKDP[Leu601Phe]NETVVGLYQK

ClinVar aggregate classification (germline): Pathogenic (1 of 4 stars; one submission).

Conditions:
Hypertrophic cardiomyopathy. Also called: HYPERTROPHIC MYOCARDIOPATHY. Identifiers: Orphanet 217569, MedGen C0007194, MeSH D002312, MONDO:0005045, HP:0001639.

Submission:

Labcorp Genetics (formerly Invitae), Labcorp
Classification: Pathogenic for Hypertrophic cardiomyopathy. Last evaluated: 2025-11-03. Review status: criteria provided, single submitter. Criteria: Invitae Variant Classification Sherloc (09022015). Collection method: clinical testing. Allele origin: germline.
Comment: This sequence change replaces leucine, which is neutral and non-polar, with phenylalanine, which is neutral and non-polar, at codon 601 of the MYH7 protein (p.Leu601Phe). This variant is not present in population databases (gnomAD no frequency). This missense change has been observed in individual(s) with obstructive cardiomyopathy and hypertrophic cardiomyopathy (PMID: 16858239, 27247418; internal data). In at least one individual the variant was observed to be de novo. ClinVar contains an entry for this variant (Variation ID: 574861). Invitae Evidence Modeling of protein sequence and biophysical properties (such as structural, functional, and spatial information, amino acid conservation, physicochemical variation, residue mobility, and thermodynamic stability) indicates that this missense variant is expected to disrupt MYH7 protein function with a positive predictive value of 95%. This variant is found within a region of MYH7 between codons 181 and 937 that contains the majority of the myosin head domain. Missense variants in this region have been shown to be significantly overrepresented in individuals with hypertrophic cardiomyopathy (PMID: 27532257). For these reasons, this variant has been classified as Pathogenic.

Literature cited by the submitters: PubMed 16858239; PubMed 27247418; PubMed 27532257.